The following is an entry in ClinVar:

NM_031942.5(CDCA7):c.401G>A (p.Arg134Gln)

Gene: CDCA7 (cell division cycle associated 7; plus strand). Cytogenetic location: 2q31.1.
Variant type: single nucleotide variant.
Coding change: c.401G>A on transcript NM_031942.5 (MANE Select); coding-DNA position 401, G replaced by A.
Protein change: p.Arg134Gln; replaces arginine 134 with glutamine.
Molecular consequence: missense variant.
Genome position (GRCh38, 1-based): chr2:173,363,242, G>A. VCF-style: chr2-173363242-G-A. GRCh37 (hg19) VCF-style: chr2-174227970-G-A.
Other names: c.164G>A, p.Arg55Gln (NM_145810.3); short protein forms R55Q, R134Q.
Identifiers: ClinVar variation 2149578 (VCV002149578.2), dbSNP rs775744518, ClinGen allele CA1971233.

ClinVar aggregate classification (germline): Uncertain significance (1 of 4 stars; one submission).

Submission:

Labcorp Genetics (formerly Invitae), Labcorp
Classification: Uncertain significance. Last evaluated: 2022-08-12. Review status: criteria provided, single submitter. Criteria: Invitae Variant Classification Sherloc (09022015). Collection method: clinical testing. Allele origin: germline.
Comment: Algorithms developed to predict the effect of missense changes on protein structure and function output the following: SIFT: "Tolerated"; PolyPhen-2: "Benign"; Align-GVGD: "Class C0". The glutamine amino acid residue is found in multiple mammalian species, which suggests that this missense change does not adversely affect protein function. This variant has not been reported in the literature in individuals affected with CDCA7-related conditions. This variant is present in population databases (rs775744518, gnomAD 0.01%). This sequence change replaces arginine, which is basic and polar, with glutamine, which is neutral and polar, at codon 134 of the CDCA7 protein (p.Arg134Gln). In summary, the available evidence is currently insufficient to determine the role of this variant in disease. Therefore, it has been classified as a Variant of Uncertain Significance.